The following is an entry in ClinVar:

NM_198578.4(LRRK2):c.4351G>T (p.Gly1451Cys)

Gene: LRRK2 (leucine rich repeat kinase 2; plus strand). Cytogenetic location: 12q12.
Variant type: single nucleotide variant.
Coding change: c.4351G>T on transcript NM_198578.4 (MANE Select); coding-DNA position 4351, G replaced by T.
Protein change: p.Gly1451Cys; replaces glycine 1451 with cysteine.
Molecular consequence: missense variant.
Genome position (GRCh38, 1-based): chr12:40,310,464, G>T. VCF-style: chr12-40310464-G-T. GRCh37 (hg19) VCF-style: chr12-40704266-G-T.
Other names: short protein forms G1451C.
Identifiers: ClinVar variation 1739942 (VCV001739942.2), dbSNP rs1479707240, ClinGen allele CA384418313.
Genomic context (GRCh38, chr12:40,310,464, plus strand): 5'-AAGAGGGTTTTGTGTCTTTCCCTCCAGGCTCGCGCTTCTTCTTCCCCTGTGATTCTCGTT[G>T]GCACACATTTGGATGTTTCTGATGAGAAGCAACGCAAAGCCTGCATGAGTAAAATCACCA-3'
Protein context (NP_940980.4, residues 1441-1461): RASSSPVILV[Gly1451Cys]THLDVSDEKQ

ClinVar aggregate classification (germline): Uncertain significance (1 of 4 stars; one submission).

Conditions:
Inborn genetic diseases. Identifiers: MedGen C0950123, MeSH D030342.

Submission:

Ambry Genetics
Classification: Uncertain significance for Inborn genetic diseases. Last evaluated: 2023-09-27. Review status: criteria provided, single submitter. Criteria: Ambry Variant Classification Scheme 2023. Collection method: clinical testing. Allele origin: germline.
Comment: The p.G1451C variant (also known as c.4351G>T), located in coding exon 31 of the LRRK2 gene, results from a G to T substitution at nucleotide position 4351. The glycine at codon 1451 is replaced by cysteine, an amino acid with highly dissimilar properties. This amino acid position is conserved. In addition, this alteration is predicted to be deleterious by in silico analysis. Since supporting evidence is limited at this time, the clinical significance of this alteration remains unclear.